The following is an entry in ClinVar:

ClinVar aggregate classification (germline): Uncertain significance (1 of 4 stars; one submission).

Conditions:
Mitochondrial complex II deficiency, nuclear type 1. Also called: SUCCINATE CoQ REDUCTASE DEFICIENCY. Identifiers: Orphanet 3208, MedGen C5700310, MONDO:0100294, OMIM 252011.
Pheochromocytoma/paraganglioma syndrome 5. Also called: Paragangliomas 5; SDHA-Related Hereditary Paraganglioma-Pheochromocytoma Syndrome. Identifiers: Orphanet 29072, MedGen C3279992, MONDO:0013602, OMIM 614165.

Submission:

Labcorp Genetics (formerly Invitae), Labcorp
Classification: Uncertain significance for Pheochromocytoma/paraganglioma syndrome 5; Mitochondrial complex II deficiency, nuclear type 1. Last evaluated: 2020-01-10. Review status: criteria provided, single submitter. Criteria: Invitae Variant Classification Sherloc (09022015). Collection method: clinical testing. Allele origin: germline.
Comment: Algorithms developed to predict the effect of missense changes on protein structure and function (SIFT, PolyPhen-2, Align-GVGD) all suggest that this variant is likely to be disruptive, but these predictions have not been confirmed by published functional studies and their clinical significance is uncertain. This sequence change replaces valine with glutamic acid at codon 57 of the SDHA protein (p.Val57Glu). The valine residue is highly conserved and there is a moderate physicochemical difference between valine and glutamic acid. This variant is not present in population databases (ExAC no frequency). This variant has not been reported in the literature in individuals with SDHA-related conditions. In summary, the available evidence is currently insufficient to determine the role of this variant in disease. Therefore, it has been classified as a Variant of Uncertain Significance.

NM_004168.4(SDHA):c.170T>A (p.Val57Glu)

Gene: SDHA (succinate dehydrogenase complex flavoprotein subunit A; plus strand). Cytogenetic location: 5p15.33.
Variant type: single nucleotide variant.
Coding change: c.170T>A on transcript NM_004168.4 (MANE Select); coding-DNA position 170, T replaced by A.
Protein change: p.Val57Glu; replaces valine 57 with glutamic acid.
Molecular consequence: missense variant.
Genome position (GRCh38, 1-based): chr5:224,379, T>A. VCF-style: chr5-224379-T-A. GRCh37 (hg19) VCF-style: chr5-224494-T-A.
Other names: c.170T>A, p.Val57Glu (NM_001294332.2, NM_001330758.2); short protein forms V57E.
Identifiers: ClinVar variation 1035072 (VCV001035072.13), dbSNP rs1734883606, ClinGen allele CA359008407.